The following is an entry in ClinVar:

ClinVar aggregate classification (germline): Likely benign. Review status: reviewed by expert panel (3 of 4 stars). 12 submissions from 12 submitters: Likely benign (1). 11 of the submissions do not count toward it. Last evaluated 2017-06-29.

Conditions:
Breast and/or ovarian cancer. Identifiers: MedGen CN221562.
Hereditary cancer-predisposing syndrome. Also called: Tumor predisposition; Neoplastic Syndromes, Hereditary; Hereditary neoplastic syndrome; Hereditary Cancer Syndrome. Identifiers: Orphanet 140162, MedGen C0027672, MeSH D009386, MONDO:0015356.
Familial cancer of breast. Also called: BREAST CANCER, FAMILIAL; hereditary breast carcinoma; Hereditary breast cancer. Identifiers: Orphanet 227535, MedGen C0346153, MONDO:0016419, OMIM 114480. Disease mechanism: loss of function.
Breast-ovarian cancer, familial, susceptibility to, 2 (BROVCA2). Also called: BRCA2 Hereditary Breast and Ovarian Cancer. Identifiers: Orphanet 145, MedGen C2675520, MONDO:0012933, OMIM 612555. Disease mechanism: loss of function.
Hereditary breast ovarian cancer syndrome. Also called: Hereditary breast and ovarian cancer; BRCA1- and BRCA2-Associated Hereditary Breast and Ovarian Cancer; Hereditary breast and/or ovarian cancer syndrome; Hereditary breast and ovarian cancer syndrome; Breast and ovarian cancer; Hereditary breast and ovarian cancer syndrome (HBOC). Identifiers: Orphanet 145, MedGen C0677776, MeSH D061325, MONDO:0003582. Disease mechanism: loss of function.

Allele frequency attached by ClinVar (database versions not stated): gnomAD 0.00001; gnomAD exomes 0.00001 and 0.00004; TOPMed 0.00002; ExAC 0.00004.
gnomAD v4.1: 22 of 1,613,574 alleles (0.0014%); highest among the groups gnomAD compares: East Asian, 0.042%; no homozygotes.

Submissions (12):

Evidence-based Network for the Interpretation of Germline Mutant Alleles (ENIGMA)
Classification: Likely benign for Breast-ovarian cancer, familial, susceptibility to, 2. Last evaluated: 2017-06-29. Review status: reviewed by expert panel. Criteria: ENIGMA BRCA1/2 Classification Criteria (2017-06-29). Collection method: curation. Allele origin: germline.
Comment: Synonymous substitution variant, with low bioinformatic likelihood to result in a splicing aberration (Splicing prior probability 0.02).

Labcorp Genetics (formerly Invitae), Labcorp
Classification: Likely benign for Hereditary breast ovarian cancer syndrome. Last evaluated: 2026-01-26. Review status: criteria provided, single submitter. Criteria: Invitae Variant Classification Sherloc (09022015). Collection method: clinical testing. Allele origin: germline. Not counted in ClinVar's aggregate classification.

Blueprint Genetics
Classification: Likely benign. Last evaluated: 2024-10-10. Review status: criteria provided, single submitter. Criteria: ACMG Guidelines, 2015. Collection method: clinical testing. Allele origin: germline. Not counted in ClinVar's aggregate classification.

Department of Pathology and Laboratory Medicine, Sinai Health System
Classification: Likely benign for Familial cancer of breast; Breast-ovarian cancer, familial, susceptibility to, 2. Last evaluated: 2024-06-04. Review status: criteria provided, single submitter. Criteria: ACMG Guidelines, 2015. Collection method: clinical testing. Allele origin: germline. Affected: yes. Not counted in ClinVar's aggregate classification.

All of Us Research Program, National Institutes of Health
Classification: Likely benign for Breast-ovarian cancer, familial, susceptibility to, 2. Last evaluated: 2023-10-02. Review status: criteria provided, single submitter. Criteria: ACMG Guidelines, 2015. Collection method: clinical testing. Allele origin: germline. Inheritance: Autosomal dominant inheritance. Observed: 4 variant alleles, 4 heterozygotes. Not counted in ClinVar's aggregate classification.
Comment: This study involves interpretation of variants in research participants for the purpose of population health screening. Participant phenotype was not available at the time of variant classification. Additional details can be found in publication PMID: 35346344, PMCID: PMC8962531

Sema4
Classification: Likely benign for Hereditary cancer-predisposing syndrome. Last evaluated: 2021-07-28. Review status: criteria provided, single submitter. Criteria: Sema4 Curation Guidelines. Collection method: curation. Allele origin: germline. Not counted in ClinVar's aggregate classification.

CHEO Genetics Diagnostic Laboratory, Children's Hospital of Eastern Ontario
Classification: Likely benign for Breast and/or ovarian cancer. Last evaluated: 2019-07-16. Review status: criteria provided, single submitter. Criteria: ACMG Guidelines, 2015. Collection method: clinical testing. Allele origin: germline. Not counted in ClinVar's aggregate classification.

GeneDx
Classification: Likely benign. Last evaluated: 2017-05-30. Review status: criteria provided, single submitter. Criteria: GeneDx Variant Classification (06012015). Collection method: clinical testing. Allele origin: germline. Affected: yes. Not counted in ClinVar's aggregate classification.
Comment: This variant is considered likely benign or benign based on one or more of the following criteria: it is a conservative change, it occurs at a poorly conserved position in the protein, it is predicted to be benign by multiple in silico algorithms, and/or has population frequency not consistent with disease.

Color Diagnostics, LLC DBA Color Health
Classification: Likely benign for Hereditary cancer-predisposing syndrome. Last evaluated: 2016-11-04. Review status: criteria provided, single submitter. Criteria: ACMG Guidelines, 2015. Collection method: clinical testing. Allele origin: germline. Not counted in ClinVar's aggregate classification.

Ambry Genetics
Classification: Likely benign for Hereditary cancer-predisposing syndrome. Last evaluated: 2015-05-06. Review status: criteria provided, single submitter. Criteria: Ambry Variant Classification Scheme 2023. Collection method: clinical testing. Allele origin: germline. Not counted in ClinVar's aggregate classification.

Counsyl
Classification: Likely benign for Breast-ovarian cancer, familial, susceptibility to, 2. Last evaluated: 2016-05-27. Review status: no assertion criteria provided. Collection method: clinical testing. Allele origin: unknown. Not counted in ClinVar's aggregate classification.

Breast Cancer Information Core (BIC) (BRCA2)
Classification: Benign for Breast-ovarian cancer, familial 2. Last evaluated: 2010-09-18. Review status: no assertion criteria provided. Collection method: clinical testing. Allele origin: germline. Affected: yes. Observed: 1 variant allele. Not counted in ClinVar's aggregate classification.

NM_000059.4(BRCA2):c.1218C>G (p.Ala406=)

Gene: BRCA2 (BRCA2 DNA repair associated; plus strand). Cytogenetic location: 13q13.1.
Variant type: single nucleotide variant.
Coding change: c.1218C>G on transcript NM_000059.4 (MANE Select); coding-DNA position 1218, C replaced by G.
Protein change: p.Ala406=; no amino-acid change (alanine 406 retained).
Molecular consequence: synonymous variant.
Genome position (GRCh38, 1-based): chr13:32,332,696, C>G. VCF-style: chr13-32332696-C-G. GRCh37 (hg19) VCF-style: chr13-32906833-C-G.
Other names: A406A.
Identifiers: ClinVar variation 51083 (VCV000051083.25), dbSNP rs276174807, ClinGen allele CA011193.